The following is an entry in ClinVar:

ClinVar aggregate classification (germline): Pathogenic (1 of 4 stars; one submission).

Submission:

Labcorp Genetics (formerly Invitae), Labcorp
Classification: Pathogenic. Last evaluated: 2024-05-29. Review status: criteria provided, single submitter. Criteria: Invitae Variant Classification Sherloc (09022015). Collection method: clinical testing. Allele origin: germline.
Comment: This sequence change creates a premature translational stop signal (p.Arg298*) in the BMP2 gene. While this is not anticipated to result in nonsense mediated decay, it is expected to disrupt the last 99 amino acid(s) of the BMP2 protein. This variant is not present in population databases (gnomAD no frequency). This variant has not been reported in the literature in individuals affected with BMP2-related conditions. Algorithms developed to predict the effect of sequence changes on RNA splicing suggest that this variant may create or strengthen a splice site. This variant disrupts a region of the BMP2 protein in which other variant(s) (p.Cys329*) have been determined to be pathogenic (PMID: 29198724). This suggests that this is a clinically significant region of the protein, and that variants that disrupt it are likely to be disease-causing. For these reasons, this variant has been classified as Pathogenic.

Literature cited by the submitters: PubMed 29198724.

NM_001200.4(BMP2):c.892A>T (p.Arg298Ter)

Gene: BMP2 (bone morphogenetic protein 2; plus strand). Cytogenetic location: 20p12.3.
Variant type: single nucleotide variant.
Coding change: c.892A>T on transcript NM_001200.4 (MANE Select); coding-DNA position 892, A replaced by T.
Protein change: p.Arg298Ter; replaces arginine 298 with a stop codon.
Molecular consequence: nonsense.
Genome position (GRCh38, 1-based): chr20:6,778,790, A>T. VCF-style: chr20-6778790-A-T. GRCh37 (hg19) VCF-style: chr20-6759437-A-T.
Other names: short protein forms R298*.
Identifiers: ClinVar variation 3654432 (VCV003654432.2).